The following is an entry in ClinVar:

ClinVar aggregate classification (germline): Uncertain significance (1 of 4 stars; one submission).

Conditions:
Charcot-Marie-Tooth disease type 2. Also called: Charcot-Marie-Tooth type 2. Identifiers: Orphanet 64746, MedGen C0270914, MONDO:0018993.

Submission:

Labcorp Genetics (formerly Invitae), Labcorp
Classification: Uncertain significance for Charcot-Marie-Tooth disease type 2. Last evaluated: 2022-08-16. Review status: criteria provided, single submitter. Criteria: Invitae Variant Classification Sherloc (09022015). Collection method: clinical testing. Allele origin: germline.
Comment: In summary, the available evidence is currently insufficient to determine the role of this variant in disease. Therefore, it has been classified as a Variant of Uncertain Significance. Experimental studies and prediction algorithms are not available or were not evaluated, and the functional significance of this variant is currently unknown. This variant has been observed in individual(s) with autosomal dominant Charcot-Marie-Tooth disease (PMID: 24863639). In at least one individual the variant was observed to be de novo. This variant is not present in population databases (gnomAD no frequency). This variant, c.1930_1932del, results in the deletion of 1 amino acid(s) of the MFN2 protein (p.Leu644del), but otherwise preserves the integrity of the reading frame.

Literature cited by the submitters: PubMed 24863639.

NM_014874.4(MFN2):c.1927CTC[1] (p.Leu644del)

Gene: MFN2 (mitofusin 2; plus strand). Cytogenetic location: 1p36.22.
Variant type: Microsatellite.
Coding change: c.1927CTC[1] on transcript NM_014874.4 (MANE Select); one copy of the 3-base unit CTC starting at c.1927; the reference has two copies in a row; one copy, 3 bases deleted.
Protein change: p.Leu644del; deletes leucine 644.
Molecular consequence: inframe deletion.
Genome position (GRCh38, 1-based): chr1:12,007,110-12,007,112, CTC deleted; deleting any 3 consecutive bases within chr1:12,007,106-12,007,112 gives the same sequence; the position shown is the placement nearest the transcript's 3' end. VCF-style (leftmost placement, unchanged base first): chr1-12007105-GCCT-G. GRCh37 (hg19) VCF-style: chr1-12067162-GCCT-G.
Other names: c.1927CTC[1], p.Leu644del (NM_001127660.2); short protein forms L644del.
Identifiers: ClinVar variation 1501237 (VCV001501237.7), dbSNP rs2100858186, ClinGen allele CA2580611409.
Genomic context (GRCh38, chr1:12,007,105, plus strand): 5'-CTCTGCAGGTGTGGAAGGCAGTGGGCTGGCGGCTCATTGCCCTCTCCTTTGGGCTCTATG[GCCT>G]CCTCTACGTCTATGAGCGTCTGACCTGGACCACCAAGGCCAAGGAGAGGGCCTTCAAGCG-3'